The following is an entry in ClinVar:

NM_000059.4(BRCA2):c.7055del (p.Pro2352fs)

Gene: BRCA2 (BRCA2 DNA repair associated; plus strand). Cytogenetic location: 13q13.1.
Variant type: Deletion.
Coding change: c.7055del on transcript NM_000059.4 (MANE Select); coding-DNA position 7055, one base deleted (C; older notation c.7055delC).
Protein change: p.Pro2352fs; shifts the reading frame from proline 2352.
Molecular consequence: frameshift variant.
Genome position (GRCh38, 1-based): chr13:32,354,908, C deleted; the last of 2 consecutive C bases (chr13:32,354,907-32,354,908); deleting either gives the same sequence. VCF-style (leftmost placement, unchanged base first): chr13-32354906-AC-A. GRCh37 (hg19) VCF-style: chr13-32929043-AC-A.
Other names: short protein forms P2352fs.
Identifiers: ClinVar variation 1072760 (VCV001072760.7), dbSNP rs2137555513, ClinGen allele CA2499222271.
Genomic context (GRCh38, chr13:32,354,906, plus strand): 5'-TTCTCCCCATTGCAGCACAACTAAGGAACGTCAAGAGATACAGAATCCAAATTTTACCGC[AC>A]CTGGTCAAGAATTTCTGTCTAAATCTCATTTGTATGAACATCTGACTTTGGAAAAATCTT-3'

ClinVar aggregate classification (germline): Pathogenic (1 of 4 stars; one submission).

Conditions:
Hereditary breast ovarian cancer syndrome. Also called: Hereditary breast and ovarian cancer syndrome (HBOC); Hereditary breast and/or ovarian cancer syndrome; Hereditary breast and ovarian cancer; BRCA1- and BRCA2-Associated Hereditary Breast and Ovarian Cancer; Hereditary breast and ovarian cancer syndrome; Breast and ovarian cancer. Identifiers: Orphanet 145, MedGen C0677776, MeSH D061325, MONDO:0003582. Disease mechanism: loss of function.

Submission:

Labcorp Genetics (formerly Invitae), Labcorp
Classification: Pathogenic for Hereditary breast ovarian cancer syndrome. Last evaluated: 2020-03-18. Review status: criteria provided, single submitter. Criteria: Invitae Variant Classification Sherloc (09022015). Collection method: clinical testing. Allele origin: germline.
Comment: For these reasons, this variant has been classified as Pathogenic. Loss-of-function variants in BRCA2 are known to be pathogenic (PMID: 20104584). This variant has not been reported in the literature in individuals with BRCA2-related conditions. This variant is not present in population databases (ExAC no frequency). This sequence change creates a premature translational stop signal (p.Pro2352Leufs*15) in the BRCA2 gene. It is expected to result in an absent or disrupted protein product.

Literature cited by the submitters: PubMed 20104584.